The following is an entry in ClinVar:

NM_001378183.1(PIEZO2):c.6202T>A (p.Leu2068Met)

Gene: PIEZO2 (piezo type mechanosensitive ion channel component 2; minus strand). Cytogenetic location: 18p11.22.
Variant type: single nucleotide variant.
Coding change: c.6202T>A on transcript NM_001378183.1 (MANE Select); coding-DNA position 6202, T replaced by A.
Protein change: p.Leu2068Met; replaces leucine 2068 with methionine.
Molecular consequence: missense variant.
Genome position (GRCh38, 1-based): chr18:10,704,450, A>T on the plus strand (T>A on the coding strand, the complement: PIEZO2 is on the minus strand). VCF-style: chr18-10704450-A-T. GRCh37 (hg19) VCF-style: chr18-10704448-A-T.
Other names: c.5863T>A, p.Leu1955Met (NM_022068.4); short protein forms L1955M, L2068M.
Identifiers: ClinVar variation 436312 (VCV000436312.11), dbSNP rs112982077, ClinGen allele CA8892268.

ClinVar aggregate classification (germline): Uncertain significance. Review status: criteria provided, multiple submitters, no conflicts (2 of 4 stars). 3 submissions from 3 submitters: Uncertain significance (3). Last evaluated 2025-03-06.

Conditions:
Inborn genetic diseases. Identifiers: MedGen C0950123, MeSH D030342.

Allele frequency attached by ClinVar (database versions not stated): TOPMed 0.00014; 1000 Genomes Project 30x 0.00078.
gnomAD v4.1: 350 of 1,537,228 alleles (0.023%); highest among the groups gnomAD compares: Admixed American, 0.059%; 1 homozygote.

Submissions (3):

Labcorp Genetics (formerly Invitae), Labcorp
Classification: Uncertain significance. Last evaluated: 2025-03-06. Review status: criteria provided, single submitter. Criteria: Invitae Variant Classification Sherloc (09022015). Collection method: clinical testing. Allele origin: germline.
Comment: This sequence change replaces leucine, which is neutral and non-polar, with methionine, which is neutral and non-polar, at codon 1955 of the PIEZO2 protein (p.Leu1955Met). This variant is present in population databases (rs112982077, gnomAD 0.04%), including at least one homozygous and/or hemizygous individual. This variant has not been reported in the literature in individuals affected with PIEZO2-related conditions. ClinVar contains an entry for this variant (Variation ID: 436312). Invitae Evidence Modeling of protein sequence and biophysical properties (such as structural, functional, and spatial information, amino acid conservation, physicochemical variation, residue mobility, and thermodynamic stability) has been performed for this missense variant. However, the output from this modeling did not meet the statistical confidence thresholds required to predict the impact of this variant on PIEZO2 protein function. In summary, the available evidence is currently insufficient to determine the role of this variant in disease. Therefore, it has been classified as a Variant of Uncertain Significance.

Ambry Genetics
Classification: Uncertain significance for Inborn genetic diseases. Last evaluated: 2022-09-28. Review status: criteria provided, single submitter. Criteria: Ambry Variant Classification Scheme 2023. Collection method: clinical testing. Allele origin: germline.

Genetic Services Laboratory, University of Chicago
Classification: Uncertain significance. Last evaluated: 2016-12-15. Review status: criteria provided, single submitter. Criteria: ACMG Guidelines, 2015. Collection method: clinical testing. Allele origin: germline. Affected: no.